The following is an entry in ClinVar:

NM_002857.4(PEX19):c.694T>G (p.Phe232Val)

Gene: PEX19 (peroxisomal biogenesis factor 19; minus strand). Cytogenetic location: 1q23.2.
Variant type: single nucleotide variant.
Coding change: c.694T>G on transcript NM_002857.4 (MANE Select); coding-DNA position 694, T replaced by G.
Protein change: p.Phe232Val; replaces phenylalanine 232 with valine.
Molecular consequence: missense variant. On other transcripts: non-coding transcript variant (2).
Genome position (GRCh38, 1-based): chr1:160,280,147, A>C on the plus strand (T>G on the coding strand, the complement: PEX19 is on the minus strand). VCF-style: chr1-160280147-A-C. GRCh37 (hg19) VCF-style: chr1-160249937-A-C.
Other names: c.694T>G, p.Phe232Val (NM_001193644.1); short protein forms F232V.
Identifiers: ClinVar variation 1417133 (VCV001417133.4), dbSNP rs2101799984, ClinGen allele CA343257525.

ClinVar aggregate classification (germline): Uncertain significance (1 of 4 stars; one submission).

Conditions:
Peroxisome biogenesis disorder 12A (Zellweger). Also called: Peroxisome biogenesis disorder 12A. Identifiers: Orphanet 912, MedGen C3554002, MONDO:0013951, OMIM 614886.

Allele frequency attached by ClinVar (database versions not stated): gnomAD exomes below 0.00001.
gnomAD v4.1: 1 of 1,613,944 alleles (0.000062%); highest among the groups gnomAD compares: Non-Finnish European, 0.000085%; no homozygotes.

Submission:

Labcorp Genetics (formerly Invitae), Labcorp
Classification: Uncertain significance for Peroxisome biogenesis disorder 12A (Zellweger). Last evaluated: 2022-07-05. Review status: criteria provided, single submitter. Criteria: Invitae Variant Classification Sherloc (09022015). Collection method: clinical testing. Allele origin: germline.
Comment: In summary, the available evidence is currently insufficient to determine the role of this variant in disease. Therefore, it has been classified as a Variant of Uncertain Significance. Algorithms developed to predict the effect of sequence changes on RNA splicing suggest that this variant may create or strengthen a splice site. Algorithms developed to predict the effect of missense changes on protein structure and function are either unavailable or do not agree on the potential impact of this missense change (SIFT: "Deleterious"; PolyPhen-2: "Probably Damaging"; Align-GVGD: "Class C0"). ClinVar contains an entry for this variant (Variation ID: 1417133). This variant has not been reported in the literature in individuals affected with PEX19-related conditions. This variant is not present in population databases (gnomAD no frequency). This sequence change replaces phenylalanine, which is neutral and non-polar, with valine, which is neutral and non-polar, at codon 232 of the PEX19 protein (p.Phe232Val).